The following is an entry in ClinVar:

ClinVar aggregate classification (germline): Uncertain significance. Review status: criteria provided, multiple submitters, no conflicts (2 of 4 stars). 4 submissions from 4 submitters: Uncertain significance (4). Last evaluated 2026-05-06.

Conditions:
Autosomal recessive limb-girdle muscular dystrophy type 2J (LGMDR10). Also called: Limb-girdle muscular dystrophy, type 2J; MUSCULAR DYSTROPHY, LIMB-GIRDLE, AUTOSOMAL RECESSIVE 10. Identifiers: Orphanet 140922, MedGen C1837342, MONDO:0012127, OMIM 608807.
Dilated cardiomyopathy 1G (CMD1G). Identifiers: Orphanet 154, MedGen C1858763, MONDO:0011400, OMIM 604145.
TTN-related disorder. Also called: TTN-related condition; TTN-related disease; TTN-related disorders.

Allele frequency attached by ClinVar (database versions not stated): gnomAD exomes below 0.00001; gnomAD 0.00001; TOPMed 0.00001.
gnomAD v4.1: 4 of 1,595,144 alleles (0.00025%); highest among the groups gnomAD compares: Non-Finnish European, 0.00026%; no homozygotes.

Submissions (4):

PreventionGenetics, part of Exact Sciences
Classification: Uncertain significance for TTN-related condition. Last evaluated: 2026-05-06. Review status: criteria provided, single submitter. Criteria: ACMG Guidelines, 2015. Collection method: clinical testing. Allele origin: germline.
Comment: The TTN c.63227C>T variant is predicted to result in the amino acid substitution p.Thr21076Ile. To our knowledge, this variant has not been reported in the literature. This variant is reported in 0.0016% of alleles in individuals of European (Non-Finnish) descent in gnomAD. At this time, the clinical significance of this variant is uncertain due to the absence of conclusive functional and genetic evidence.

Revvity Omics, Revvity
Classification: Uncertain significance. Last evaluated: 2021-11-26. Review status: criteria provided, single submitter. Criteria: ACMG Guidelines, 2015. Collection method: clinical testing. Allele origin: germline.

Athena Diagnostics
Classification: Uncertain significance. Last evaluated: 2018-05-17. Review status: criteria provided, single submitter. Criteria: Athena Diagnostics Criteria. Collection method: clinical testing. Allele origin: germline.

Labcorp Genetics (formerly Invitae), Labcorp
Classification: Uncertain significance for Dilated cardiomyopathy 1G; Autosomal recessive limb-girdle muscular dystrophy type 2J. Last evaluated: 2017-04-12. Review status: criteria provided, single submitter. Criteria: Invitae Variant Classification Sherloc (09022015). Collection method: clinical testing. Allele origin: germline.

NM_001267550.2(TTN):c.63227C>T (p.Thr21076Ile)

Genes: TTN (titin; minus strand), TTN-AS1 (TTN antisense RNA 1; plus strand). Cytogenetic location: 2q31.2.
Variant type: single nucleotide variant.
Coding change: c.63227C>T on transcript NM_001267550.2 (MANE Select); coding-DNA position 63227, C replaced by T.
Protein change: p.Thr21076Ile; replaces threonine 21076 with isoleucine.
Molecular consequence: missense variant.
Genome position (GRCh38, 1-based): chr2:178,588,180, G>A on the plus strand (C>T on the coding strand, the complement: TTN is on the minus strand). VCF-style: chr2-178588180-G-A. GRCh37 (hg19) VCF-style: chr2-179452907-G-A.
Other names: c.63227C>T (LRG_391t1); c.58304C>T, p.Thr19435Ile (NM_001256850.1); c.36032C>T, p.Thr12011Ile (NM_003319.4); c.55523C>T, p.Thr18508Ile (NM_133378.4); c.36407C>T, p.Thr12136Ile (NM_133432.3); c.36608C>T, p.Thr12203Ile (NM_133437.4); short protein forms T21076I, T19435I, T18508I, T12203I, T12011I, T12136I.
Identifiers: ClinVar variation 467360 (VCV000467360.7), dbSNP rs972090108, ClinGen allele CA349455121.